The following is an entry in ClinVar:

ClinVar aggregate classification (germline): Likely benign (1 of 4 stars; one submission).

Allele frequency attached by ClinVar (database versions not stated): 1000 Genomes Project 30x 0.00016.
gnomAD v4.1: 660 of 1,612,482 alleles (0.041%); highest among the groups gnomAD compares: East Asian, 0.92%; 13 homozygotes.

Submission:

GeneDx
Classification: Likely benign. Last evaluated: 2021-11-11. Review status: criteria provided, single submitter. Criteria: GeneDx Variant Classification Process June 2021. Collection method: clinical testing. Allele origin: germline. Affected: yes.
Comment: See Variant Classification Assertion Criteria.

NM_181458.4(PAX3):c.*257G>T

Gene: PAX3 (paired box 3; minus strand). Cytogenetic location: 2q36.1.
Variant type: single nucleotide variant.
Coding change: c.*257G>T on transcript NM_181458.4 (MANE Select); 257 bases downstream of the stop codon, G replaced by T.
Molecular consequence: 3 prime UTR variant.
Genome position (GRCh38, 1-based): chr2:222,201,151, C>A on the plus strand (G>T on the coding strand, the complement: PAX3 is on the minus strand). VCF-style: chr2-222201151-C-A. GRCh37 (hg19) VCF-style: chr2-223065870-C-A.
Other names: c.*257G>T (NM_001127366.3); c.*23G>T (NM_181459.4); c.*70G>T (NM_181460.4); c.*253G>T (NM_181461.4).
Identifiers: ClinVar variation 1684057 (VCV001684057.2), dbSNP rs3731858, ClinGen allele CA2135362.